The following is an entry in ClinVar:

NM_001283009.2(RTEL1):c.2975C>G (p.Pro992Arg)

Genes: RTEL1 (regulator of telomere elongation helicase 1; plus strand), RTEL1-TNFRSF6B (RTEL1-TNFRSF6B readthrough (NMD candidate); plus strand). Cytogenetic location: 20q13.33.
Variant type: single nucleotide variant.
Coding change: c.2975C>G on transcript NM_001283009.2 (MANE Select); coding-DNA position 2975, C replaced by G.
Protein change: p.Pro992Arg; replaces proline 992 with arginine.
Molecular consequence: missense variant. On other transcripts: non-coding transcript variant (1).
Genome position (GRCh38, 1-based): chr20:63,693,266, C>G. VCF-style: chr20-63693266-C-G. GRCh37 (hg19) VCF-style: chr20-62324619-C-G.
Other names: c.2306C>G, p.Pro769Arg (NM_001283010.1); c.2975C>G, p.Pro992Arg (NM_016434.4); c.3047C>G, p.Pro1016Arg (NM_032957.5); short protein forms P769R, P992R, P1016R.
Identifiers: ClinVar variation 968287 (VCV000968287.10), dbSNP rs143967591, ClinGen allele CA9965685.

ClinVar aggregate classification (germline): Uncertain significance. Review status: criteria provided, multiple submitters, no conflicts (2 of 4 stars). 4 submissions from 4 submitters: Uncertain significance (3). 1 of the submissions does not count toward it. Last evaluated 2026-01-01.

Conditions:
Pulmonary fibrosis and/or bone marrow failure, Telomere-related, 3. Also called: PULMONARY FIBROSIS AND/OR BONE MARROW FAILURE SYNDROME, TELOMERE-RELATED, 3. Identifiers: Orphanet 2032, MedGen C4225346, MONDO:0014613, OMIM 616373.
Dyskeratosis congenita, autosomal recessive 5 (DKCB5). Identifiers: MedGen C3554656, MONDO:0014076, OMIM 615190.
Dyskeratosis congenita. Identifiers: Orphanet 1775, MedGen C0265965, MONDO:0015780.

Allele frequency attached by ClinVar (database versions not stated): TOPMed 0.00021; 1000 Genomes Project 0.00060; 1000 Genomes Project 30x 0.00078.
gnomAD v4.1: 84 of 1,611,804 alleles (0.0052%); highest among the groups gnomAD compares: African/African-American, 0.1%; no homozygotes.

Submissions (4):

Labcorp Genetics (formerly Invitae), Labcorp
Classification: Uncertain significance for Dyskeratosis congenita, autosomal recessive 5; Pulmonary fibrosis and/or bone marrow failure, Telomere-related, 3. Last evaluated: 2026-01-01. Review status: criteria provided, single submitter. Criteria: Invitae Variant Classification Sherloc (09022015). Collection method: clinical testing. Allele origin: germline.
Comment: This sequence change replaces proline, which is neutral and non-polar, with arginine, which is basic and polar, at codon 992 of the RTEL1 protein (p.Pro992Arg). This variant is present in population databases (rs143967591, gnomAD 0.09%). This variant has not been reported in the literature in individuals affected with RTEL1-related conditions. This variant is also known as c.3047C>G (p.Pro1016Arg). ClinVar contains an entry for this variant (Variation ID: 968287). An algorithm developed to predict the effect of missense changes on protein structure and function (PolyPhen-2) suggests that this variant is likely to be tolerated. In summary, the available evidence is currently insufficient to determine the role of this variant in disease. Therefore, it has been classified as a Variant of Uncertain Significance.

GeneDx
Classification: Uncertain significance. Last evaluated: 2025-03-04. Review status: criteria provided, single submitter. Criteria: GeneDx Variant Classification Process June 2021. Collection method: clinical testing. Allele origin: germline. Affected: yes.
Comment: In silico analysis indicates that this missense variant does not alter protein structure/function; Has not been previously published as pathogenic or benign to our knowledge

Blueprint Genetics
Classification: Uncertain significance. Last evaluated: 2024-06-05. Review status: criteria provided, single submitter. Criteria: ACMG Guidelines, 2015. Collection method: clinical testing. Allele origin: germline.

Natera, Inc.
Classification: Uncertain significance for Dyskeratosis congenita. Last evaluated: 2020-02-11. Review status: no assertion criteria provided. Collection method: clinical testing. Allele origin: germline. Not counted in ClinVar's aggregate classification.